The following is an entry in ClinVar:

ClinVar aggregate classification (germline): Pathogenic/Likely pathogenic. Review status: criteria provided, multiple submitters, no conflicts (2 of 4 stars). 5 submissions from 5 submitters: Pathogenic (4); Likely pathogenic (1). Last evaluated 2025-11-27.

Conditions:
FGD1-related disorder. Also called: FGD1-related condition; FGD1-related disorders.
Intellectual disability. Also called: Intellectual functioning disability; intellectual disabilities; Intellectual developmental disorder. Identifiers: MedGen C3714756, MeSH D008607, MONDO:0001071, HP:0001249.

Allele frequency attached by ClinVar (database versions not stated): TOPMed 0.00001.

Submissions (5):

Labcorp Genetics (formerly Invitae), Labcorp
Classification: Pathogenic. Last evaluated: 2025-11-27. Review status: criteria provided, single submitter. Criteria: Invitae Variant Classification Sherloc (09022015). Collection method: clinical testing. Allele origin: germline.
Comment: This sequence change creates a premature translational stop signal (p.Arg567*) in the FGD1 gene. It is expected to result in an absent or disrupted protein product. Loss-of-function variants in FGD1 are known to be pathogenic (PMID: 21739585, 23211637, 25046119, 26029706). This variant is not present in population databases (gnomAD no frequency). This variant has not been reported in the literature in individuals affected with FGD1-related conditions. ClinVar contains an entry for this variant (Variation ID: 1995490). For these reasons, this variant has been classified as Pathogenic.

Blueprint Genetics
Classification: Likely pathogenic for FGD1-related disorders. Last evaluated: 2024-11-20. Review status: criteria provided, single submitter. Criteria: ACMG Guidelines, 2015. Collection method: clinical testing. Allele origin: germline. Affected: yes. Observed: 4 variant alleles.

GeneDx
Classification: Pathogenic. Last evaluated: 2024-10-09. Review status: criteria provided, single submitter. Criteria: GeneDx Variant Classification Process June 2021. Collection method: clinical testing. Allele origin: germline. Affected: yes.
Comment: Nonsense variant predicted to result in protein truncation or nonsense mediated decay in a gene for which loss of function is a known mechanism of disease; Not observed at significant frequency in large population cohorts (gnomAD); Has not been previously published as pathogenic or benign to our knowledge

Dubai Health Genomic Medicine Center, Dubai Health
Classification: Pathogenic for Intellectual developmental disorder. Last evaluated: 2024-10-04. Review status: criteria provided, single submitter. Criteria: ACMG Guidelines, 2015. Collection method: research. Allele origin: germline. Affected: yes.
Comment: PVS1,PM2,PP4

Women's Health and Genetics/Laboratory Corporation of America, LabCorp
Classification: Pathogenic for FGD1-Related Disorders. Last evaluated: 2023-11-08. Review status: criteria provided, single submitter. Criteria: LabCorp Variant Classification Summary - May 2015. Collection method: clinical testing. Allele origin: germline.
Comment: Variant summary: FGD1 c.1699C>T (p.Arg567X) results in a premature termination codon, predicted to cause a truncation of the encoded protein or absence of the protein due to nonsense mediated decay, which are commonly known mechanisms for disease. The variant was absent in 182842 control chromosomes. To our knowledge, no occurrence of c.1699C>T in individuals affected with FGFR1-Related Disorders and no experimental evidence demonstrating its impact on protein function have been reported. One submitter has cited clinical-significance assessments for this variant to ClinVar after 2014 and has classified the variant as pathogenic. Based on the evidence outlined above, the variant was classified as pathogenic.

Literature cited by the submitters: PubMed 21739585 (cited by Labcorp Genetics (formerly Invitae), Labcorp); PubMed 23211637 (cited by Labcorp Genetics (formerly Invitae), Labcorp); PubMed 25046119 (cited by Labcorp Genetics (formerly Invitae), Labcorp); PubMed 26029706 (cited by Labcorp Genetics (formerly Invitae), Labcorp).

NM_004463.3(FGD1):c.1699C>T (p.Arg567Ter)

Gene: FGD1 (FYVE, RhoGEF and PH domain containing 1; minus strand). Cytogenetic location: Xp11.22.
Variant type: single nucleotide variant.
Coding change: c.1699C>T on transcript NM_004463.3 (MANE Select); coding-DNA position 1699, C replaced by T.
Protein change: p.Arg567Ter; replaces arginine 567 with a stop codon.
Molecular consequence: nonsense.
Genome position (GRCh38, 1-based): chrX:54,456,363, G>A on the plus strand (C>T on the coding strand, the complement: FGD1 is on the minus strand). VCF-style: chrX-54456363-G-A. GRCh37 (hg19) VCF-style: chrX-54482796-G-A.
Other names: c.1699C>T (NM_004463.2); short protein forms R567*.
Identifiers: ClinVar variation 1995490 (VCV001995490.8), dbSNP rs931466859, ClinGen allele CA329091979.